The following is an entry in ClinVar:

NM_153006.3(NAGS):c.1446T>A (p.Asn482Lys)

Gene: NAGS (N-acetylglutamate synthase; plus strand). Cytogenetic location: 17q21.31.
Variant type: single nucleotide variant.
Coding change: c.1446T>A on transcript NM_153006.3 (MANE Select); coding-DNA position 1446, T replaced by A.
Protein change: p.Asn482Lys; replaces asparagine 482 with lysine.
Molecular consequence: missense variant.
Genome position (GRCh38, 1-based): chr17:44,007,768, T>A. VCF-style: chr17-44007768-T-A. GRCh37 (hg19) VCF-style: chr17-42085136-T-A.
Other names: short protein forms N482K.
Identifiers: ClinVar variation 423967 (VCV000423967.7), dbSNP rs915618486, ClinGen allele CA16620451.

ClinVar aggregate classification (germline): Uncertain significance. Review status: criteria provided, multiple submitters, no conflicts (2 of 4 stars). 3 submissions from 3 submitters: Uncertain significance (2). 1 of the submissions does not count toward it. Last evaluated 2023-03-14.

Conditions:
Inborn genetic diseases. Identifiers: MedGen C0950123, MeSH D030342.
Hyperammonemia, type III (NAGSD). Also called: Hyperammonemia due to N-acetylglutamate synthase deficiency. Identifiers: Orphanet 927, MedGen C0268543, MONDO:0009377, OMIM 237310.

Allele frequency attached by ClinVar (database versions not stated): gnomAD 0.00002; gnomAD exomes 0.00002; TOPMed 0.00002.

Submissions (3):

Ambry Genetics
Classification: Uncertain significance for Inborn genetic diseases. Last evaluated: 2023-03-14. Review status: criteria provided, single submitter. Criteria: Ambry Variant Classification Scheme 2023. Collection method: clinical testing. Allele origin: germline.

GeneDx
Classification: Uncertain significance. Last evaluated: 2022-05-24. Review status: criteria provided, single submitter. Criteria: GeneDx Variant Classification Process June 2021. Collection method: clinical testing. Allele origin: germline. Affected: yes.
Comment: Not observed at significant frequency in large population cohorts (gnomAD); In silico analysis supports that this missense variant has a deleterious effect on protein structure/function; Has not been previously published as pathogenic or benign to our knowledge

Natera, Inc.
Classification: Uncertain significance for Hyperammonemia type III. Last evaluated: 2020-03-17. Review status: no assertion criteria provided. Collection method: clinical testing. Allele origin: germline. Not counted in ClinVar's aggregate classification.